The following is an entry in ClinVar:

ClinVar aggregate classification (germline): Uncertain significance (1 of 4 stars; one submission).

Conditions:
COG5-congenital disorder of glycosylation. Also called: CDG IIi; CONGENITAL DISORDER OF GLYCOSYLATION, TYPE IIi; COG5-CDG. Identifiers: Orphanet 263487, MedGen C3150876, MONDO:0013325, OMIM 613612.

Submission:

Labcorp Genetics (formerly Invitae), Labcorp
Classification: Uncertain significance for COG5-congenital disorder of glycosylation. Last evaluated: 2022-02-20. Review status: criteria provided, single submitter. Criteria: Invitae Variant Classification Sherloc (09022015). Collection method: clinical testing. Allele origin: germline.
Comment: In summary, the available evidence is currently insufficient to determine the role of this variant in disease. Therefore, it has been classified as a Variant of Uncertain Significance. Algorithms developed to predict the effect of sequence changes on RNA splicing suggest that this variant may disrupt the consensus splice site. This variant has not been reported in the literature in individuals affected with COG5-related conditions. This variant is not present in population databases (gnomAD no frequency). This sequence change falls in intron 20 of the COG5 gene. It does not directly change the encoded amino acid sequence of the COG5 protein.

NM_006348.5(COG5):c.2296-6C>G

Gene: COG5 (component of oligomeric golgi complex 5; minus strand). Cytogenetic location: 7q22.3.
Variant type: single nucleotide variant.
Coding change: c.2296-6C>G on transcript NM_006348.5 (MANE Select); 6 bases into the intron before coding-DNA position 2296, C replaced by G.
Molecular consequence: intron variant.
Genome position (GRCh38, 1-based): chr7:107,210,611, G>C on the plus strand (C>G on the coding strand, the complement: COG5 is on the minus strand). VCF-style: chr7-107210611-G-C. GRCh37 (hg19) VCF-style: chr7-106851056-G-C.
Other names: c.1582-6C>G (NM_001379516.1); c.1726-6C>G (NM_001379515.1); c.2134-6C>G (NM_001379511.1); c.2122-6C>G (NM_001379512.1); c.2233-6C>G (NM_181733.4); c.1981-6C>G (NM_001379514.1); c.2169-6981C>G (NM_001379513.1); c.2296-6C>G (NM_001161520.2).
Identifiers: ClinVar variation 2100062 (VCV002100062.4), dbSNP rs2535756082, ClinGen allele CA2580076117.
Genomic context (GRCh38, chr7:107,210,611, plus strand): 5'-CAGATGGATGGTCATCCAGCCACTGAGAGAAGCGTGTGTGGGACCACTCTGCCCTCTGCA[G>C]GGTTGAAACACAATTAGAGAGAGTGCATACGCATTCTTTAGTAAATGGCAGCAAGTGCTG-3'